The following is an entry in ClinVar:

NM_152703.5(SAMD9L):c.251dup (p.Asn84fs)

Gene: SAMD9L (sterile alpha motif domain containing 9 like; minus strand). Cytogenetic location: 7q21.2.
Variant type: Duplication.
Coding change: c.251dup on transcript NM_152703.5 (MANE Select); coding-DNA position 251, one base duplicated (A; older notation c.251dupA).
Protein change: p.Asn84fs; shifts the reading frame from asparagine 84.
Molecular consequence: frameshift variant.
Genome position (GRCh38, 1-based): chr7:93,135,721, T duplicated on the plus strand (A on the coding strand, the reverse complement: SAMD9L is on the minus strand); the first of 2 consecutive T bases (chr7:93,135,721-93,135,722); duplicating either gives the same sequence. VCF-style (leftmost placement, unchanged base first): chr7-93135720-A-AT. GRCh37 (hg19) VCF-style: chr7-92765033-A-AT.
Other names: c.251dup, p.Asn84fs (NM_001303496.3, NM_001303497.3, NM_001303498.3 and 5 more transcripts); short protein forms N84fs.
Identifiers: ClinVar variation 2173855 (VCV002173855.4), dbSNP rs1205076616, ClinGen allele CA368206450.

ClinVar aggregate classification (germline): Uncertain significance (1 of 4 stars; one submission).

Submission:

Labcorp Genetics (formerly Invitae), Labcorp
Classification: Uncertain significance. Last evaluated: 2025-03-31. Review status: criteria provided, single submitter. Criteria: Invitae Variant Classification Sherloc (09022015). Collection method: clinical testing. Allele origin: germline.
Comment: This sequence change creates a premature translational stop signal (p.Asn84Lysfs*3) in the SAMD9L gene. While this is not anticipated to result in nonsense mediated decay, it is expected to disrupt the last 1501 amino acid(s) of the SAMD9L protein. This variant is not present in population databases (gnomAD no frequency). This variant has not been reported in the literature in individuals affected with SAMD9L-related conditions. ClinVar contains an entry for this variant (Variation ID: 2173855). In summary, the available evidence is currently insufficient to determine the role of this variant in disease. Therefore, it has been classified as a Variant of Uncertain Significance.